The following is an entry in ClinVar:

ClinVar aggregate classification (germline): Uncertain significance (1 of 4 stars; one submission).

Submission:

Ambry Genetics
Classification: Uncertain significance. Last evaluated: 2026-03-30. Review status: criteria provided, single submitter. Criteria: Ambry Variant Classification Scheme 2023. Collection method: clinical testing. Allele origin: germline.
Comment: The p.P1683A variant (also known as c.5047C>G), located in coding exon 22 of the WNK2 gene, results from a C to G substitution at nucleotide position 5047. The proline at codon 1683 is replaced by alanine, an amino acid with highly similar properties. This amino acid position is conserved. In addition, this alteration is predicted to be tolerated by in silico analysis. Based on the available evidence, the clinical significance of this variant remains unclear.

NM_006648.4(WNK2):c.5047C>G (p.Pro1683Ala)

Gene: WNK2 (WNK lysine deficient protein kinase 2; plus strand). Cytogenetic location: 9q22.31.
Variant type: single nucleotide variant.
Coding change: c.5047C>G on transcript NM_006648.4 (MANE Select); coding-DNA position 5047, C replaced by G.
Protein change: p.Pro1683Ala; replaces proline 1683 with alanine.
Molecular consequence: missense variant.
Genome position (GRCh38, 1-based): chr9:93,292,512, C>G. VCF-style: chr9-93292512-C-G. GRCh37 (hg19) VCF-style: chr9-96054794-C-G.
Other names: c.5158C>G, p.Pro1720Ala (NM_001282394.3); short protein forms P1683A, P1720A.
Identifiers: ClinVar variation 4866549 (VCV004866549.1).